The following is an entry in ClinVar:

NM_024529.5(CDC73):c.729G>C (p.Lys243Asn)

Gene: CDC73 (cell division cycle 73; plus strand). Cytogenetic location: 1q31.2.
Variant type: single nucleotide variant.
Coding change: c.729G>C on transcript NM_024529.5 (MANE Select); coding-DNA position 729, G replaced by C.
Protein change: p.Lys243Asn; replaces lysine 243 with asparagine.
Molecular consequence: missense variant.
Genome position (GRCh38, 1-based): chr1:193,142,066, G>C. VCF-style: chr1-193142066-G-C. GRCh37 (hg19) VCF-style: chr1-193111196-G-C.
Other names: short protein forms K243N.
Identifiers: ClinVar variation 1394031 (VCV001394031.6), dbSNP rs2103126521, ClinGen allele CA343962859.
Genomic context (GRCh38, chr1:193,142,066, plus strand): 5'-TATTGTCAGCAGAGAGAGAGTATGGAGGACACGAACAACTATCTTACAAAGCACAGGAAA[G>C]GTAATTAAAATATTTTACTCATTCATTGGAGTGAGAGAGAGAGAGAGAGAGTGCGTTTAA-3'
Protein context (NP_078805.3, residues 233-253): TRTTILQSTG[Lys243Asn]NFSKNIFAIL

ClinVar aggregate classification (germline): Uncertain significance (1 of 4 stars; one submission).

Conditions:
Parathyroid carcinoma (PRTC). Also called: Parathyroid gland carcinoma; CDC73-Related Parathyroid Carcinoma. Identifiers: Orphanet 143, MedGen C0687150, MONDO:0012004, OMIM 608266, HP:0006780.

Submission:

Labcorp Genetics (formerly Invitae), Labcorp
Classification: Uncertain significance for Parathyroid carcinoma. Last evaluated: 2021-11-19. Review status: criteria provided, single submitter. Criteria: Invitae Variant Classification Sherloc (09022015). Collection method: clinical testing. Allele origin: germline.
Comment: In summary, the available evidence is currently insufficient to determine the role of this variant in disease. Therefore, it has been classified as a Variant of Uncertain Significance. Variants that disrupt the consensus splice site are a relatively common cause of aberrant splicing (PMID: 17576681, 9536098). Algorithms developed to predict the effect of sequence changes on RNA splicing suggest that this variant may disrupt the consensus splice site. Algorithms developed to predict the effect of missense changes on protein structure and function (SIFT, PolyPhen-2, Align-GVGD) all suggest that this variant is likely to be tolerated. This variant has not been reported in the literature in individuals affected with CDC73-related conditions. This variant is not present in population databases (gnomAD no frequency). This sequence change replaces lysine, which is basic and polar, with asparagine, which is neutral and polar, at codon 243 of the CDC73 protein (p.Lys243Asn). This variant also falls at the last nucleotide of exon 7, which is part of the consensus splice site for this exon.

Literature cited by the submitters: PubMed 17576681; PubMed 9536098.